The following is an entry in ClinVar:

NM_000016.6(ACADM):c.216+1G>T

Gene: ACADM (acyl-CoA dehydrogenase medium chain; plus strand). Cytogenetic location: 1p31.1.
Variant type: single nucleotide variant.
Coding change: c.216+1G>T on transcript NM_000016.6 (MANE Select); the canonical splice donor site of the intron after coding-DNA position 216, G replaced by T.
Molecular consequence: splice donor variant.
Genome position (GRCh38, 1-based): chr1:75,732,742, G>T. VCF-style: chr1-75732742-G-T. GRCh37 (hg19) VCF-style: chr1-76198427-G-T.
Other names: c.228+1G>T (NM_001127328.3); c.216+1G>T (NM_001286043.2, NM_000016.5); c.108+1G>T (NM_001286042.2); c.-170+1G>T (NM_001286044.2).
Identifiers: ClinVar variation 370830 (VCV000370830.5), dbSNP rs1057516801, ClinGen allele CA16040774.

ClinVar aggregate classification (germline): Pathogenic/Likely pathogenic. Review status: criteria provided, multiple submitters, no conflicts (2 of 4 stars). 3 submissions from 3 submitters: Pathogenic (1); Likely pathogenic (1). 1 of the submissions does not count toward it. Last evaluated 2025-11-20.

Conditions:
Medium-chain acyl-coenzyme A dehydrogenase deficiency (ACADMD). Also called: MCADH DEFICIENCY; MCADD; Medium chain acyl-CoA dehydrogenase deficiency; MCAD Deficiency; ACADM DEFICIENCY; CARNITINE DEFICIENCY SECONDARY TO MEDIUM-CHAIN ACYL-CoA DEHYDROGENASE DEFICIENCY. Identifiers: Orphanet 42, MedGen C0220710, MONDO:0008721, OMIM 201450.

gnomAD v4.1: 1 of 1,612,456 alleles (0.000062%); highest among the groups gnomAD compares: Non-Finnish European, 0.000085%; no homozygotes.

Submissions (3):

Natera, Inc.
Classification: Pathogenic for Medium Chain Acyl-CoA Dehydrogenase Deficiency. Last evaluated: 2025-11-20. Review status: criteria provided, single submitter. Criteria: Natera Variant Classification Schema (03/2026). Collection method: clinical testing. Allele origin: germline.
Comment: The c.216+1G>T variant in ACADM is a canonical splice donor site variant predicted to affect pre-mRNA splicing, which may result in an abnormal transcript and altered protein product. This variant is expected to result in nonsense mediated decay, truncation, or a dysfunctional protein product. This variant is rare in the general population with a frequency below the threshold expected for the associated phenotype(s). This variant has been observed in one or more individuals affected with the associated recessive disease, as either homozygous or compound heterozygous with a second variant (PMID: 36840705). Another variant at this same site results in an alteration predicted to cause a similar molecular effect has been observed in individual(s) with the associated phenotype. Given the available evidence, this variant is classified as Pathogenic.

Fulgent Genetics
Classification: Likely pathogenic for Medium-chain acyl-coenzyme A dehydrogenase deficiency. Last evaluated: 2024-02-07. Review status: criteria provided, single submitter. Criteria: ACMG Guidelines, 2015. Collection method: clinical testing. Allele origin: germline.

Counsyl
Classification: Likely pathogenic for Medium-chain acyl-coenzyme A dehydrogenase deficiency. Last evaluated: 2016-04-21. Review status: no assertion criteria provided. Collection method: clinical testing. Allele origin: unknown. Not counted in ClinVar's aggregate classification.

Literature cited by the submitters: PubMed 36840705 (cited by Natera, Inc.); PubMed 22630369 (cited by Counsyl).